The following is an entry in ClinVar:

ClinVar aggregate classification (germline): Uncertain significance (0 of 4 stars; one submission).

Conditions:
CHD8-related disorder. Also called: CHD8-related disorders; CHD8-related condition.

Submission:

PreventionGenetics, part of Exact Sciences
Classification: Uncertain significance for CHD8-related condition. Last evaluated: 2024-09-19. Review status: no assertion criteria provided. Collection method: clinical testing. Allele origin: germline.
Comment: The CHD8 c.1246C>T variant is predicted to result in the amino acid substitution p.Leu416Phe. To our knowledge, this variant has not been reported in the literature or in a large population database, indicating this variant is rare. At this time, the clinical significance of this variant is uncertain due to the absence of conclusive functional and genetic evidence.

NM_001170629.2(CHD8):c.1246C>T (p.Leu416Phe)

Gene: CHD8 (chromodomain helicase DNA binding protein 8; minus strand). Cytogenetic location: 14q11.2.
Variant type: single nucleotide variant.
Coding change: c.1246C>T on transcript NM_001170629.2 (MANE Select); coding-DNA position 1246, C replaced by T.
Protein change: p.Leu416Phe; replaces leucine 416 with phenylalanine.
Molecular consequence: missense variant.
Genome position (GRCh38, 1-based): chr14:21,428,224, G>A on the plus strand (C>T on the coding strand, the complement: CHD8 is on the minus strand). VCF-style: chr14-21428224-G-A. GRCh37 (hg19) VCF-style: chr14-21896383-G-A.
Other names: c.409C>T, p.Leu137Phe (NM_020920.4); short protein forms L137F, L416F.
Identifiers: ClinVar variation 3356441 (VCV003356441.1).
Genomic context (GRCh38, chr14:21,428,224, plus strand): 5'-AGCTTGCTGGTGATGACAAAGCTGCCACTTCACTGGCACTCAGAACTTTAACTACAGAGA[G>A]CCCAGAAGAGGCCCCTTGGGAAGAGCCAGCCTATAGAAACAAAGATACTACAATTTCAAC-3'
Protein context (NP_001164100.1, residues 406-426): AGSSQGASSG[Leu416Phe]SVVKVLSASE